The following is an entry in ClinVar:

ClinVar aggregate classification (germline): Likely benign (1 of 4 stars; one submission).

Conditions:
TDO2-related disorder. Also called: TDO2-related condition.

gnomAD v4.1: 2,717 of 1,598,942 alleles (0.17%); highest among the groups gnomAD compares: Admixed American, 0.31%; 6 homozygotes.

Submission:

PreventionGenetics, part of Exact Sciences
Classification: Likely benign for TDO2-related condition. Last evaluated: 2024-10-31. Review status: criteria provided, single submitter. Criteria: ACMG Guidelines, 2015. Collection method: clinical testing. Allele origin: germline.
Comment: This variant is classified as likely benign based on ACMG/AMP sequence variant interpretation guidelines (Richards et al. 2015 PMID: 25741868, with internal and published modifications).

NM_005651.4(TDO2):c.554A>G (p.Lys185Arg)

Gene: TDO2 (tryptophan 2,3-dioxygenase; plus strand). Cytogenetic location: 4q32.1.
Variant type: single nucleotide variant.
Coding change: c.554A>G on transcript NM_005651.4 (MANE Select); coding-DNA position 554, A replaced by G.
Protein change: p.Lys185Arg; replaces lysine 185 with arginine.
Molecular consequence: missense variant.
Genome position (GRCh38, 1-based): chr4:155,910,147, A>G. VCF-style: chr4-155910147-A-G. GRCh37 (hg19) VCF-style: chr4-156831299-A-G.
Other names: short protein forms K185R.
Identifiers: ClinVar variation 4977083 (VCV004977083.1).